The following is an entry in ClinVar:

NM_003105.6(SORL1):c.2596C>T (p.Arg866Ter)

Gene: SORL1 (sortilin related receptor 1; plus strand). Cytogenetic location: 11q24.1.
Variant type: single nucleotide variant.
Coding change: c.2596C>T on transcript NM_003105.6 (MANE Select); coding-DNA position 2596, C replaced by T.
Protein change: p.Arg866Ter; replaces arginine 866 with a stop codon.
Molecular consequence: nonsense.
Genome position (GRCh38, 1-based): chr11:121,557,338, C>T. VCF-style: chr11-121557338-C-T. GRCh37 (hg19) VCF-style: chr11-121428047-C-T.
Other names: short protein forms R866*.
Identifiers: ClinVar variation 2169564 (VCV002169564.5), dbSNP rs1229933491, ClinGen allele CA383034711.

ClinVar aggregate classification (germline): Conflicting classifications of pathogenicity. Review status: criteria provided, conflicting classifications (1 of 4 stars). 2 submissions from 2 submitters: Pathogenic (1); Uncertain significance (1). Last evaluated 2023-06-14.

Allele frequency attached by ClinVar (database versions not stated): gnomAD exomes below 0.00001; TOPMed 0.00001; gnomAD 0.00002.
gnomAD v4.1: 9 of 1,613,962 alleles (0.00056%); highest among the groups gnomAD compares: South Asian, 0.0011%; no homozygotes.

Submissions (2):

Labcorp Genetics (formerly Invitae), Labcorp
Classification: Pathogenic. Last evaluated: 2023-06-14. Review status: criteria provided, single submitter. Criteria: Invitae Variant Classification Sherloc (09022015). Collection method: clinical testing. Allele origin: germline.
Comment: For these reasons, this variant has been classified as Pathogenic. ClinVar contains an entry for this variant (Variation ID: 2169564). This premature translational stop signal has been observed in individual(s) with Alzheimer disease (PMID: 30009200). This variant is present in population databases (no rsID available, gnomAD 0.002%). This sequence change creates a premature translational stop signal (p.Arg866*) in the SORL1 gene. It is expected to result in an absent or disrupted protein product. Loss-of-function variants in SORL1 are known to be pathogenic (PMID: 26303663, 27026413).

Blueprint Genetics
Classification: Uncertain significance. Last evaluated: 2020-05-22. Review status: criteria provided, single submitter. Criteria: ACMG Guidelines, 2015. Collection method: clinical testing. Allele origin: germline.

Literature cited by the submitters: PubMed 30009200 (cited by Labcorp Genetics (formerly Invitae), Labcorp); PubMed 26303663 (cited by Labcorp Genetics (formerly Invitae), Labcorp); PubMed 27026413 (cited by Labcorp Genetics (formerly Invitae), Labcorp).